The following is an entry in ClinVar:

NM_001035.3(RYR2):c.5443G>A (p.Glu1815Lys)

Gene: RYR2 (ryanodine receptor 2; plus strand). Cytogenetic location: 1q43.
Variant type: single nucleotide variant.
Coding change: c.5443G>A on transcript NM_001035.3 (MANE Select); coding-DNA position 5443, G replaced by A.
Protein change: p.Glu1815Lys; replaces glutamic acid 1815 with lysine.
Molecular consequence: missense variant.
Genome position (GRCh38, 1-based): chr1:237,614,571, G>A. VCF-style: chr1-237614571-G-A. GRCh37 (hg19) VCF-style: chr1-237777871-G-A.
Other names: short protein forms E1815K.
Identifiers: ClinVar variation 3070438 (VCV003070438.2), dbSNP rs1294638169, ClinGen allele CA345405032.

ClinVar aggregate classification (germline): Uncertain significance. Review status: criteria provided, multiple submitters, no conflicts (2 of 4 stars). 2 submissions from 2 submitters: Uncertain significance (2). Last evaluated 2025-07-14.

Conditions:
Cardiomyopathy (CMYO). Also called: Cardiomyopathies. Identifiers: Orphanet 167848, MedGen C0878544, MONDO:0004994, HP:0001638. Inheritance: Various modes of inheritance.
Catecholaminergic polymorphic ventricular tachycardia (CVPT). Also called: Catecholamine-induced polymorphic ventricular tachycardia. Identifiers: Orphanet 3286, MedGen C5574922, MONDO:0017990.

Allele frequency attached by ClinVar (database versions not stated): gnomAD 0.00001; TOPMed below 0.00001; gnomAD exomes 0.00002.
gnomAD v4.1: 12 of 1,613,924 alleles (0.00074%); highest among the groups gnomAD compares: Non-Finnish European, 0.000085%; no homozygotes.

Submissions (2):

Color Diagnostics, LLC DBA Color Health
Classification: Uncertain significance for Cardiomyopathy. Last evaluated: 2025-07-14. Review status: criteria provided, single submitter. Criteria: ACMG Guidelines, 2015. Collection method: clinical testing. Allele origin: germline.
Comment: This missense variant replaces glutamic acid with lysine at codon 1815 of the RYR2 protein. Computational prediction is inconclusive regarding the impact of this variant on protein structure and function. To our knowledge, functional studies have not been reported for this variant. This variant has not been reported in individuals affected with RYR2-related disorders in the literature. This variant has been identified in 4/248678 chromosomes in the general population by the Genome Aggregation Database (gnomAD). The available evidence is insufficient to determine the role of this variant in disease conclusively. Therefore, this variant is classified as a Variant of Uncertain Significance.

All of Us Research Program, National Institutes of Health
Classification: Uncertain significance for Catecholaminergic polymorphic ventricular tachycardia. Last evaluated: 2023-11-30. Review status: criteria provided, single submitter. Criteria: ACMG Guidelines, 2015. Collection method: clinical testing. Allele origin: germline. Inheritance: Autosomal dominant inheritance. Observed: 4 variant alleles, 4 heterozygotes.
Comment: This missense variant replaces glutamic acid with lysine at codon 1815 of the RYR2 protein. Computational prediction is inconclusive regarding the impact of this variant on protein structure and function (internally defined REVEL score threshold 0.5 < inconclusive < 0.7, PMID: 27666373). To our knowledge, functional studies have not been reported for this variant. This variant has not been reported in individuals affected with RYR2-related disorders in the literature. This variant has been identified in 4/248678 chromosomes in the general population by the Genome Aggregation Database (gnomAD). The available evidence is insufficient to determine the role of this variant in disease conclusively. Therefore, this variant is classified as a Variant of Uncertain Significance.

This study involves interpretation of variants in research participants for the purpose of population health screening. Participant phenotype was not available at the time of variant classification. Additional details can be found in publication PMID: 35346344, PMCID: PMC8962531